The following is an entry in ClinVar:

ClinVar aggregate classification (germline): Uncertain significance (1 of 4 stars; one submission).

Allele frequency attached by ClinVar (database versions not stated): gnomAD exomes below 0.00001.
gnomAD v4.1: 2 of 1,613,882 alleles (0.00012%); highest among the groups gnomAD compares: Admixed American, 0.0017%; no homozygotes.

Submission:

GeneDx
Classification: Uncertain significance. Last evaluated: 2017-07-03. Review status: criteria provided, single submitter. Criteria: GeneDx Variant Classification (06012015). Collection method: clinical testing. Allele origin: germline. Affected: yes.
Comment: The A325T variant in the SUCLA2 gene has not been reported previously as a pathogenic variant, nor as a benign variant, to our knowledge. The A325T variant is not observed in large population cohorts (Lek et al., 2016; 1000 Genomes Consortium et al., 2015; Exome Variant Server). The A325T variant is a non-conservative amino acid substitution, which is likely to impact secondary protein structure as these residues differ in polarity, charge, size and/or other properties. This substitution occurs at a position that is conserved across species. In silico analysis predicts this variant is probably damaging to the protein structure/function. We interpret A325T as a variant of uncertain significance.

NM_003850.3(SUCLA2):c.973G>A (p.Ala325Thr)

Gene: SUCLA2 (succinate-CoA ligase ADP-forming subunit beta; minus strand). Cytogenetic location: 13q14.2.
Variant type: single nucleotide variant.
Coding change: c.973G>A on transcript NM_003850.3 (MANE Select); coding-DNA position 973, G replaced by A.
Protein change: p.Ala325Thr; replaces alanine 325 with threonine.
Molecular consequence: missense variant.
Genome position (GRCh38, 1-based): chr13:47,954,274, C>T on the plus strand (G>A on the coding strand, the complement: SUCLA2 is on the minus strand). VCF-style: chr13-47954274-C-T. GRCh37 (hg19) VCF-style: chr13-48528409-C-T.
Other names: short protein forms A325T.
Identifiers: ClinVar variation 450366 (VCV000450366.2), dbSNP rs1555256401, ClinGen allele CA388145440.